The following is an entry in ClinVar:

ClinVar aggregate classification (germline): Likely benign. Review status: criteria provided, multiple submitters, no conflicts (2 of 4 stars). 2 submissions from 2 submitters: Likely benign (2). Last evaluated 2026-04-01.

gnomAD v4.1: 2,207 of 1,609,214 alleles (0.14%); highest among the groups gnomAD compares: Admixed American, 0.2%; 1 homozygote.

Submissions (2):

CeGaT Center for Human Genetics Tuebingen
Classification: Likely benign. Last evaluated: 2026-04-01. Review status: criteria provided, single submitter. Criteria: CeGaT Center For Human Genetics Tuebingen Variant Classification Criteria Version 2. Collection method: clinical testing. Allele origin: germline. Affected: yes. Observed: 1 variant allele.
Comment: SVIL: BP4, BP7

Blueprint Genetics
Classification: Likely benign. Last evaluated: 2024-11-20. Review status: criteria provided, single submitter. Criteria: ACMG Guidelines, 2015. Collection method: clinical testing. Allele origin: germline.

NM_021738.3(SVIL):c.2601G>A (p.Lys867=)

Gene: SVIL (supervillin; minus strand). Cytogenetic location: 10p11.23.
Variant type: single nucleotide variant.
Coding change: c.2601G>A on transcript NM_021738.3 (MANE Select); coding-DNA position 2601, G replaced by A.
Protein change: p.Lys867=; no amino-acid change (lysine 867 retained).
Molecular consequence: synonymous variant.
Genome position (GRCh38, 1-based): chr10:29,524,013, C>T on the plus strand (G>A on the coding strand, the complement: SVIL is on the minus strand). VCF-style: chr10-29524013-C-T. GRCh37 (hg19) VCF-style: chr10-29812942-C-T.
Other names: c.1671G>A, p.Lys557= (NM_001323599.2); c.1419G>A, p.Lys473= (NM_001323600.1); c.1323G>A, p.Lys441= (NM_003174.3).
Identifiers: ClinVar variation 4872637 (VCV004872637.3).